The following is an entry in ClinVar:

ClinVar aggregate classification (germline): Uncertain significance. Review status: criteria provided, multiple submitters, no conflicts (2 of 4 stars). 2 submissions from 2 submitters: Uncertain significance (2). Last evaluated 2024-06-14.

Conditions:
Mitochondrial hypertrophic cardiomyopathy with lactic acidosis due to MTO1 deficiency. Also called: CARDIOMYOPATHY, INFANTILE HYPERTROPHIC MITOCHONDRIAL, AND LACTIC ACIDOSIS; Combined oxidative phosphorylation deficiency 10. Identifiers: Orphanet 314637, MedGen C4749921, MONDO:0013865, OMIM 614702.

Allele frequency attached by ClinVar (database versions not stated): gnomAD exomes below 0.00001 and 0.00001; TOPMed below 0.00001; gnomAD 0.00001 and 0.00003; ExAC 0.00002; 1000 Genomes Project 0.00060; 1000 Genomes Project 30x 0.00062.
gnomAD v4.1: 6 of 1,614,110 alleles (0.00037%); highest among the groups gnomAD compares: East Asian, 0.011%; no homozygotes.

Submissions (2):

Blueprint Genetics
Classification: Uncertain significance. Last evaluated: 2024-06-14. Review status: criteria provided, single submitter. Criteria: ACMG Guidelines, 2015. Collection method: clinical testing. Allele origin: germline.

Labcorp Genetics (formerly Invitae), Labcorp
Classification: Uncertain significance for Mitochondrial hypertrophic cardiomyopathy with lactic acidosis due to MTO1 deficiency. Last evaluated: 2022-07-12. Review status: criteria provided, single submitter. Criteria: Invitae Variant Classification Sherloc (09022015). Collection method: clinical testing. Allele origin: germline.
Comment: This sequence change replaces histidine, which is basic and polar, with tyrosine, which is neutral and polar, at codon 330 of the MTO1 protein (p.His330Tyr). This variant is present in population databases (rs544282554, gnomAD 0.01%). This variant has not been reported in the literature in individuals affected with MTO1-related conditions. ClinVar contains an entry for this variant (Variation ID: 1361723). Algorithms developed to predict the effect of missense changes on protein structure and function are either unavailable or do not agree on the potential impact of this missense change (SIFT: "Deleterious"; PolyPhen-2: "Probably Damaging"; Align-GVGD: "Class C0"). Algorithms developed to predict the effect of sequence changes on RNA splicing suggest that this variant may create or strengthen a splice site. In summary, the available evidence is currently insufficient to determine the role of this variant in disease. Therefore, it has been classified as a Variant of Uncertain Significance.

NM_012123.4(MTO1):c.988C>T (p.His330Tyr)

Gene: MTO1 (mitochondrial tRNA translation optimization 1; plus strand). Cytogenetic location: 6q13.
Variant type: single nucleotide variant.
Coding change: c.988C>T on transcript NM_012123.4 (MANE Select); coding-DNA position 988, C replaced by T.
Protein change: p.His330Tyr; replaces histidine 330 with tyrosine.
Molecular consequence: missense variant.
Genome position (GRCh38, 1-based): chr6:73,479,985, C>T. VCF-style: chr6-73479985-C-T. GRCh37 (hg19) VCF-style: chr6-74189708-C-T.
Other names: c.988C>T, p.His330Tyr (NM_001123226.2, NM_133645.3); short protein forms H330Y.
Identifiers: ClinVar variation 1361723 (VCV001361723.6), dbSNP rs544282554, ClinGen allele CA3889496.